The following is an entry in ClinVar:

ClinVar aggregate classification (germline): Uncertain significance (1 of 4 stars; one submission).

Conditions:
Neurofibromatosis, type 1 (NF1). Also called: VON RECKLINGHAUSEN DISEASE; Neurofibromatosis, type I; NEUROFIBROMATOSIS, TYPE I, SOMATIC; Peripheral type neurofibromatosis. Identifiers: Orphanet 636, MedGen C0027831, MONDO:0018975, OMIM 162200. Disease mechanism: loss of function.

Submission:

Labcorp Genetics (formerly Invitae), Labcorp
Classification: Uncertain significance for Neurofibromatosis, type 1. Last evaluated: 2020-11-10. Review status: criteria provided, single submitter. Criteria: Invitae Variant Classification Sherloc (09022015). Collection method: clinical testing. Allele origin: germline.
Comment: This variant, c.519_520insCAA, results in the insertion of 1 amino acid to the NF1 protein (p.Asp173_Val174insGln), but otherwise preserves the integrity of the reading frame. In summary, the available evidence is currently insufficient to determine the role of this variant in disease. Therefore, it has been classified as a Variant of Uncertain Significance. Experimental studies and prediction algorithms are not available or were not evaluated, and the functional significance of this variant is currently unknown. This variant has not been reported in the literature in individuals with NF1-related conditions. This variant is not present in population databases (ExAC no frequency).

NM_001042492.3(NF1):c.519_520insCAA (p.Asp173_Val174insGln)

Gene: NF1 (neurofibromin 1; plus strand). Cytogenetic location: 17q11.2.
Variant type: Insertion.
Coding change: c.519_520insCAA on transcript NM_001042492.3 (MANE Select); coding-DNA positions 519 to 520, CAA inserted.
Protein change: p.Asp173_Val174insGln.
Molecular consequence: inframe insertion. On other transcripts: inframe indel (1).
Genome position: GRCh38 VCF-style: chr17-31169930-T-TCAA. GRCh37 (hg19) VCF-style: chr17-29496948-T-TCAA.
Other names: c.519_520insCAA, p.Asp173_Val174insGln (NM_000267.4, NM_001128147.3).
Identifiers: ClinVar variation 1387750 (VCV001387750.8), dbSNP rs2143707301, ClinGen allele CA2573153523.